The following is an entry in ClinVar:

NM_005476.7(GNE):c.92G>C (p.Gly31Ala)

Gene: GNE (glucosamine (UDP-N-acetyl)-2-epimerase/N-acetylmannosamine kinase; minus strand). Cytogenetic location: 9p13.3.
Variant type: single nucleotide variant.
Coding change: c.92G>C on transcript NM_005476.7 (MANE Select); coding-DNA position 92, G replaced by C.
Protein change: p.Gly31Ala; replaces glycine 31 with alanine.
Molecular consequence: missense variant. On other transcripts: intron variant (3).
Genome position (GRCh38, 1-based): chr9:36,249,264, C>G on the plus strand (G>C on the coding strand, the complement: GNE is on the minus strand). VCF-style: chr9-36249264-C-G. GRCh37 (hg19) VCF-style: chr9-36249261-C-G.
Other names: c.185G>C, p.Gly62Ala (NM_001128227.3); c.92G>C, p.Gly31Ala (NM_001190383.3, NM_001374797.1); c.-13-2782G>C (NM_001190388.2, NM_001190384.3, NM_001374798.1); short protein forms G31A, G62A.
Identifiers: ClinVar variation 3365333 (VCV003365333.1).

ClinVar aggregate classification (germline): Uncertain significance (1 of 4 stars; one submission).

Submission:

GeneDx
Classification: Uncertain significance. Last evaluated: 2023-12-08. Review status: criteria provided, single submitter. Criteria: GeneDx Variant Classification Process June 2021. Collection method: clinical testing. Allele origin: germline. Affected: yes.
Comment: Not observed at significant frequency in large population cohorts (gnomAD); In silico analysis supports that this missense variant does not alter protein structure/function; Has not been previously published as pathogenic or benign to our knowledge; This variant is associated with the following publications: (PMID: 24796702)